The following is an entry in ClinVar:

NM_004789.4(LHX2):c.289_293del (p.Lys96_Asp97insTer)

Gene: LHX2 (LIM homeobox 2; plus strand). Cytogenetic location: 9q33.3.
Variant type: Deletion.
Coding change: c.289_293del on transcript NM_004789.4 (MANE Select); coding-DNA positions 289 to 293, 5 bases deleted (GACGG; older notation c.289_293delGACGG).
Protein change: p.Lys96_Asp97insTer.
Molecular consequence: nonsense.
Genome position (GRCh38, 1-based): chr9:124,014,129-124,014,133, GACGG deleted; deleting any 5 consecutive bases within chr9:124,014,128-124,014,133 gives the same sequence; the c. name uses the placement nearest the transcript's 3' end. VCF-style (leftmost placement, unchanged base first): chr9-124014127-AGGACG-A. GRCh37 (hg19) VCF-style: chr9-126776406-AGGACG-A.
Identifiers: ClinVar variation 3342326 (VCV003342326.1).

ClinVar aggregate classification (germline): Pathogenic (1 of 4 stars; one submission).

Submission:

GeneDx
Classification: Pathogenic. Last evaluated: 2023-08-07. Review status: criteria provided, single submitter. Criteria: GeneDx Variant Classification Process June 2021. Collection method: clinical testing. Allele origin: germline. Affected: yes.
Comment: Nonsense variant predicted to result in protein truncation or nonsense mediated decay in a gene for which loss of function is a known mechanism of disease; Not observed at significant frequency in large population cohorts (gnomAD); This variant is associated with the following publications: (PMID: 37057675)